The following is an entry in ClinVar:

NM_002742.3(PRKD1):c.1921G>A (p.Gly641Ser)

Gene: PRKD1 (protein kinase D1; minus strand). Cytogenetic location: 14q12.
Variant type: single nucleotide variant.
Coding change: c.1921G>A on transcript NM_002742.3 (MANE Select); coding-DNA position 1921, G replaced by A.
Protein change: p.Gly641Ser; replaces glycine 641 with serine.
Molecular consequence: missense variant.
Genome position (GRCh38, 1-based): chr14:29,599,802, C>T on the plus strand (G>A on the coding strand, the complement: PRKD1 is on the minus strand). VCF-style: chr14-29599802-C-T. GRCh37 (hg19) VCF-style: chr14-30069008-C-T.
Other names: c.1945G>A, p.Gly649Ser (NM_001330069.2); c.1657G>A, p.Gly553Ser (NM_001348390.1); short protein forms G553S, G649S, G641S.
Identifiers: ClinVar variation 2623856 (VCV002623856.3), dbSNP rs149460336, ClinGen allele CA7141010.

ClinVar aggregate classification (germline): Uncertain significance (1 of 4 stars; one submission).

Allele frequency attached by ClinVar (database versions not stated): gnomAD 0.00003; TOPMed 0.00003; ExAC 0.00005; gnomAD exomes 0.00005; ESP Exome Variant Server 0.00008.
gnomAD v4.1: 78 of 1,610,116 alleles (0.0048%); highest among the groups gnomAD compares: Non-Finnish European, 0.0064%; no homozygotes.

Submission:

Ambry Genetics
Classification: Uncertain significance. Last evaluated: 2026-01-14. Review status: criteria provided, single submitter. Criteria: Ambry Variant Classification Scheme 2023. Collection method: clinical testing. Allele origin: germline.
Comment: The c.1921G>A (p.G641S) alteration is located in exon 14 (coding exon 14) of the PRKD1 gene. This alteration results from a G to A substitution at nucleotide position 1921, causing the glycine (G) at amino acid position 641 to be replaced by a serine (S). Based on data from gnomAD, the A allele has an overall frequency of 0.004% (12/278558) total alleles studied. The highest observed frequency was 0.009% (11/127732) of European (non-Finnish) alleles. Based on insufficient or conflicting evidence, the clinical significance of this alteration remains unclear.